The following is an entry in ClinVar:

NM_001466.4(FZD2):c.357G>A (p.Gln119=)

Gene: FZD2 (frizzled class receptor 2; plus strand). Cytogenetic location: 17q21.31.
Variant type: single nucleotide variant.
Coding change: c.357G>A on transcript NM_001466.4 (MANE Select); coding-DNA position 357, G replaced by A.
Protein change: p.Gln119=; no amino-acid change (glutamine 119 retained).
Molecular consequence: synonymous variant.
Genome position (GRCh38, 1-based): chr17:44,558,045, G>A. VCF-style: chr17-44558045-G-A. GRCh37 (hg19) VCF-style: chr17-42635413-G-A.
Identifiers: ClinVar variation 3685513 (VCV003685513.2).
Genomic context (GRCh38, chr17:44,558,045, plus strand): 5'-GTGCACCGTGCTGGAACAGGCCATCCCGCCGTGCCGCTCTATCTGTGAGCGCGCGCGCCA[G>A]GGCTGCGAAGCCCTCATGAACAAGTTCGGTTTTCAGTGGCCCGAGCGCCTGCGCTGCGAG-3'
Protein context (NP_001457.1, residues 109-129): PCRSICERAR[Gln119=]GCEALMNKFG

ClinVar aggregate classification (germline): Uncertain significance (1 of 4 stars; one submission).

gnomAD v4.1: 1 of 1,612,332 alleles (0.000062%); highest among the groups gnomAD compares: Admixed American, 0.0017%; no homozygotes.

Submission:

Labcorp Genetics (formerly Invitae), Labcorp
Classification: Uncertain significance. Last evaluated: 2024-04-25. Review status: criteria provided, single submitter. Criteria: Invitae Variant Classification Sherloc (09022015). Collection method: clinical testing. Allele origin: germline.
Comment: This sequence change affects codon 119 of the FZD2 mRNA. It is a 'silent' change, meaning that it does not change the encoded amino acid sequence of the FZD2 protein. This variant is not present in population databases (gnomAD no frequency). This variant has not been reported in the literature in individuals affected with FZD2-related conditions. Experimental studies and prediction algorithms are not available or were not evaluated, and the effect of this variant on mRNA splicing is currently unknown. In summary, the available evidence is currently insufficient to determine the role of this variant in disease. Therefore, it has been classified as a Variant of Uncertain Significance.